The following is an entry in ClinVar:

GRCh37/hg19 16p13.3(chr16:85880-294656)x1

Genes: HBQ1 (hemoglobin subunit theta 1; plus strand), HBZ (hemoglobin subunit zeta; plus strand), LUC7L (LUC7 like; minus strand), MPG (N-methylpurine DNA glycosylase; plus strand), FAM234A (family with sequence similarity 234 member A; plus strand) and 7 more. Cytogenetic location: 16p13.3.
Variant type: copy number loss.
Change: copy number 1 (one copy instead of two) of chr16:85,880-294,656 (208.8 kb, GRCh37 coordinates, 1-based), cytogenetic band 16p13.3.
Identifiers: ClinVar variation 564250 (VCV000564250.2).

ClinVar aggregate classification (germline): Pathogenic (1 of 4 stars; one submission).

Submission:

Quest Diagnostics Nichols Institute San Juan Capistrano
Classification: Pathogenic. Last evaluated: 2026-06-05. Review status: criteria provided, single submitter. Criteria: ACMG/ClinGen CNV Guidelines, 2019. Collection method: clinical testing. Allele origin: unknown.
Comment: This copy number loss involves at least 12 protein-coding genes including NPRL3 (OMIM 600928), HBA1 (OMIM 141800), and HBA2 (OMIM 141850). Haploinsufficiency of NPRL3 has been associated with autosomal dominant focal epilepsy with variable foci (OMIM 617118, CCID:007569; Duan 2022, Krenn 2020, Vawter-Lee 2019). Of note, there are several instances of NPRL3 variants reported in unaffected family members, suggesting reduced penetrance. Larger copy number losses in this region have been associated with autosomal dominant chromosome 16-related alpha-thalassemia/intellectual disability syndrome (ATR-16; OMIM 141750; Bezerra 2008, Gibbons 2012). Thus, based on current medical literature this copy number variant (CNV) is classified as pathogenic.

Literature cited by the submitters: PubMed 18492098; PubMed 35231114; PubMed 23028133; PubMed 32086284; PubMed 31733420.